The following is an entry in ClinVar:

NM_024589.3(ROGDI):c.*292C>T

Gene: ROGDI (rogdi atypical leucine zipper; minus strand). Cytogenetic location: 16p13.3.
Variant type: single nucleotide variant.
Coding change: c.*292C>T on transcript NM_024589.3 (MANE Select); 292 bases downstream of the stop codon, C replaced by T.
Molecular consequence: 3 prime UTR variant. On other transcripts: non-coding transcript variant (1).
Genome position (GRCh38, 1-based): chr16:4,797,168, G>A on the plus strand (C>T on the coding strand, the complement: ROGDI is on the minus strand). VCF-style: chr16-4797168-G-A. GRCh37 (hg19) VCF-style: chr16-4847169-G-A.
Identifiers: ClinVar variation 319394 (VCV000319394.6), dbSNP rs8118, ClinGen allele CA10647558.

ClinVar aggregate classification (germline): Benign. Review status: criteria provided, multiple submitters, no conflicts (2 of 4 stars). 2 submissions from 2 submitters: Benign (2). Last evaluated 2017-04-27.

Conditions:
Amelocerebrohypohidrotic syndrome (KTZS). Also called: EPILEPSY AND YELLOW TEETH; EPILEPSY, DEMENTIA, AND AMELOGENESIS IMPERFECTA; KOHLSCHUTTER SYNDROME; Kohlschutter's syndrome. Identifiers: Orphanet 1946, MedGen C0406740, MONDO:0009185, OMIM 226750.

Allele frequency attached by ClinVar (database versions not stated): 1000 Genomes Project 30x 0.39741; gnomAD 0.40994 and 0.40388; 1000 Genomes Project 0.39577; TOPMed 0.40842.
gnomAD v4.1: 156,425 of 365,080 alleles (43%); highest among the groups gnomAD compares: Admixed American, 52%; 35,247 homozygotes.

Submissions (2):

Illumina Laboratory Services, Illumina
Classification: Benign for Kohlschutter syndrome. Last evaluated: 2017-04-27. Review status: criteria provided, single submitter. Criteria: ICSL Variant Classification Criteria 13 December 2019. Collection method: clinical testing. Allele origin: germline.
Comment: This variant was observed as part of a predisposition screen in an ostensibly healthy population. A literature search was performed for the gene, cDNA change, and amino acid change (where applicable). No publications were found based on this search. Allele frequency data from public databases was too high to be consistent with this variant causing disease. Therefore, this variant is classified as benign.

Breakthrough Genomics
Classification: Benign. Review status: criteria provided, single submitter. Criteria: ACMG Guidelines, 2015. Collection method: not provided. Allele origin: germline. Inheritance: Autosomal recessive inheritance. Affected: yes.